The following is an entry in ClinVar:

NM_001001548.3(CD36):c.1156C>T (p.Arg386Trp)

Gene: CD36 (CD36 molecule (CD36 blood group); plus strand). Cytogenetic location: 7q21.11.
Variant type: single nucleotide variant.
Coding change: c.1156C>T on transcript NM_001001548.3 (MANE Select); coding-DNA position 1156, C replaced by T.
Protein change: p.Arg386Trp; replaces arginine 386 with tryptophan.
Molecular consequence: missense variant. On other transcripts: non-coding transcript variant (1).
Genome position (GRCh38, 1-based): chr7:80,672,800, C>T. VCF-style: chr7-80672800-C-T. GRCh37 (hg19) VCF-style: chr7-80302116-C-T.
Other names: c.1156C>T, p.Arg386Trp (NM_000072.3, NM_001001547.3, NM_001127443.2 and 5 more transcripts); c.1039C>T, p.Arg347Trp (NM_001289908.1); c.976C>T, p.Arg326Trp (NM_001289909.1); c.928C>T, p.Arg310Trp (NM_001289911.2); c.1054C>T, p.Arg352Trp (NM_001371079.1); c.691C>T, p.Arg231Trp (NM_001371080.1, NM_001371081.1); short protein forms R386W, R310W, R347W, R326W, R231W, R352W.
Identifiers: ClinVar variation 632510 (VCV000632510.18), dbSNP rs148910227, ClinGen allele CA4315638.

ClinVar aggregate classification (germline): Conflicting classifications of pathogenicity. Review status: criteria provided, conflicting classifications (1 of 4 stars). 8 submissions from 8 submitters: Likely pathogenic (5); Uncertain significance (1). 2 of the submissions do not count toward it. Last evaluated 2026-05-26.

Conditions:
Malaria, susceptibility to. Identifiers: Orphanet 673, MedGen C1970028, MONDO:0021024, OMIM 611162.
Platelet-type bleeding disorder 10. Also called: CD36 DEFICIENCY. Identifiers: MedGen C1842090, MONDO:0012031, OMIM 608404.
Coronary heart disease, susceptibility to, 7. Identifiers: MedGen C1970441, MONDO:0012585, OMIM 610938.
CD36-related disorder. Also called: CD36-related disorders; CD36-related condition.

Allele frequency attached by ClinVar (database versions not stated): gnomAD exomes 0.00027; ESP Exome Variant Server 0.00038; gnomAD 0.00072 and 0.00077; TOPMed 0.00072; 1000 Genomes Project 0.00140; 1000 Genomes Project 30x 0.00187.
gnomAD v4.1: 525 of 1,610,484 alleles (0.033%); highest among the groups gnomAD compares: Middle Eastern, 0.58%; 1 homozygote.

Submissions (8):

Women's Health and Genetics/Laboratory Corporation of America, LabCorp
Classification: Uncertain significance. Last evaluated: 2026-05-26. Review status: criteria provided, single submitter. Criteria: LabCorp Variant Classification Summary - May 2015. Collection method: clinical testing. Allele origin: germline.
Comment: Variant summary: CD36 c.1156C>T (p.Arg386Trp) results in a non-conservative amino acid change in the encoded protein sequence. Algorithms developed to predict the effect of missense changes on protein structure and function all suggest that this variant is likely to be disruptive. The variant allele was found at a frequency of 0.00055 in 249758 control chromosomes, predominantly at a frequency of 0.0027 within the East Asian subpopulation in the gnomAD database. The observed variant frequency within East Asian control individuals in the gnomAD database exceeds the estimated maximal expected allele frequency for disease-causing variants in CD36. c.1156C>T has been observed in compound heterozygous individuals affected with type II CD36 deficiency (Okajima_2006, Phuangtham_2020). These data indicate that the variant may be associated with disease. To our knowledge, no experimental evidence demonstrating an impact on protein function has been reported. The following publications have been ascertained in the context of this evaluation (PMID: 33077954, 29083407, 16493488, 32129498, 30905589). ClinVar contains an entry for this variant (Variation ID: 632510). Based on the evidence outlined above, the variant was classified as VUS-possibly benign.

Dasa
Classification: Likely pathogenic. Last evaluated: 2025-05-17. Review status: criteria provided, single submitter. Criteria: DASA Assertion Criteria. Collection method: clinical testing. Allele origin: germline.
Comment: NM_001001548.3(CD36):c.1156C>T (p.Arg386Trp) is a missense variant that results in the substitution of arginine with tryptophan. Segregation data support an association with disease in the reported family/families (PMID: 25330908; PMID: 16493488; PMID: 23966019). This variant has been recurrently observed in individuals with CD36-related disorders (PMID: 25330908; PMID: 16493488; PMID: 23966019). Also, this variant is rare in population databases. Computational evidence supports a deleterious effect. Based on the currently available evidence, this variant is classified as likely pathogenic.

Blueprint Genetics
Classification: Likely pathogenic for CD36-related disorders. Last evaluated: 2024-10-03. Review status: criteria provided, single submitter. Criteria: ACMG Guidelines, 2015. Collection method: clinical testing. Allele origin: germline. Affected: yes. Observed: 5 variant alleles.

3billion
Classification: Likely pathogenic for Platelet-type bleeding disorder 10. Last evaluated: 2022-05-22. Review status: criteria provided, single submitter. Criteria: ACMG Guidelines, 2015. Collection method: clinical testing. Allele origin: germline. Affected: yes. Observed: 1 heterozygote.
Comment: The variant is observed at an extremely low frequency in the gnomAD v2.1.1 dataset (total allele frequency: 0.056%). Protein truncation variants are a common disease-causing mechanism. In silico tool predictions suggest damaging effect of the variant on gene or gene product (REVEL: 0.90; 3Cnet: 0.46). Same nucleotide change resulting in same amino acid change has been previously reported to be associated with CD36 related disorder (PMID: 16493488).The variant has been reported to be in trans with a pathogenic variant as either compound heterozygous or homozygous in at least one similarly affected unrelated individual (PMID: 23966019). Therefore, this variant is classified as likely pathogenic according to the recommendation of ACMG/AMP guideline.

Illumina Laboratory Services, Illumina
Classification: Likely pathogenic for Platelet-type bleeding disorder 10. Last evaluated: 2018-09-19. Review status: criteria provided, single submitter. Criteria: ICSL Variant Classification Criteria 09 May 2019. Collection method: clinical testing. Allele origin: germline.
Comment: The CD36 c.1156C>T (p.Arg386Trp) missense variant has been reported in three studies and found in a total of five individuals with platelet glycoprotein IV deficiency, including two in a compound heterozygous state and three in a heterozygous state (Okajima et al 2006; Xu et al. 2013; Li et al. 2015). The three patients reported in Okajima et al. 2006 includes a mother with type I deficiency (surface deficiency of protein on both platelets and monocytes) in whom the p.Arg386Trp variant is found in trans with a deletion variant and two heterozygous siblings. Heterozygous individuals exhibit type II phenotype (surface deficiency of protein on platelets only) (Okajima et al. 2006; Li et a. 2015). Control data are unavailable for this variant, which is reported at a frequency of 0.002976 in the East Asian population of the 1000 Genomes Project. The two siblings demonstrated 50% normal levels of CD36 on platelets and monocytes, which is consistent with the p.Arg386Trp variant being causative of the platelet glycoprotein IV deficiency (Okajima et al 2006). Based on the collective evidence, the p.Arg386Trp is classified as likely pathogenic for platelet glycoprotein IV deficiency disease. This variant was observed by ICSL as part of a predisposition screen in an ostensibly healthy population.

Juno Genomics, Hangzhou Juno Genomics, Inc
Classification: Likely pathogenic for Coronary heart disease, susceptibility to, 7; Malaria, susceptibility to; Platelet-type bleeding disorder 10. Review status: criteria provided, single submitter. Criteria: ACMG Guidelines, 2015. Collection method: clinical testing. Allele origin: germline.
Comment: For recessive disorders, detected in trans with a pathogenic variant.;Patient's phenotype or family history is highly specific for a disease with a single genetic etiology.;Multiple lines of computational evidence support a deleterious effect on the gene or gene product.

PreventionGenetics, part of Exact Sciences
Classification: Likely pathogenic for CD36-related condition. Last evaluated: 2024-01-16. Review status: no assertion criteria provided. Collection method: clinical testing. Allele origin: germline. Not counted in ClinVar's aggregate classification.
Comment: The CD36 c.1156C>T variant is predicted to result in the amino acid substitution p.Arg386Trp. This variant has been reported in the heterozygous, homozygous or compound heterozygous states in individuals with CD36 deficiency (Okajima et al. 2006. PubMed ID: 16493488; Xu et al. 2013. PubMed ID: 23966019; Li et al. 2014. PubMed ID: 25330908; Jin et al. 2020. PubMed ID: 33077954. Dataset 3; Flesch et al. 2021. PubMed ID: 33822386). This variant is reported in 0.29% of alleles in individuals of East Asian descent in gnomAD. In ClinVar, this variant has conflicting interpretations of uncertain significance and likely pathogenic. This variant is interpreted as likely pathogenic.

Institute for Clinical Genetics, University Hospital TU Dresden, University Hospital TU Dresden
Classification: Uncertain significance. Last evaluated: 2021-11-03. Review status: flagged submission. Criteria: ACMG Guidelines, 2015. Collection method: clinical testing. Allele origin: germline. Not counted in ClinVar's aggregate classification.
ClinVar note: Reason: Outlier claim with insufficient supporting evidence

Literature cited by the submitters: PubMed 33077954 (cited by Women's Health and Genetics/Laboratory Corporation of America, LabCorp); PubMed 32129498 (cited by Women's Health and Genetics/Laboratory Corporation of America, LabCorp); PubMed 30905589 (cited by Women's Health and Genetics/Laboratory Corporation of America, LabCorp); PubMed 29083407 (cited by Women's Health and Genetics/Laboratory Corporation of America, LabCorp); PubMed 16493488 (cited by 4 submitters); PubMed 25330908 (cited by Dasa and Illumina Laboratory Services, Illumina); PubMed 23966019 (cited by 3 submitters).